The following is an entry in ClinVar:

NM_000466.3(PEX1):c.1901-1G>T

Gene: PEX1 (peroxisomal biogenesis factor 1; minus strand). Cytogenetic location: 7q21.2.
Variant type: single nucleotide variant.
Coding change: c.1901-1G>T on transcript NM_000466.3 (MANE Select); the canonical splice acceptor site of the intron before coding-DNA position 1901, G replaced by T.
Molecular consequence: splice acceptor variant. On other transcripts: intron variant (1).
Genome position (GRCh38, 1-based): chr7:92,504,903, C>A on the plus strand (G>T on the coding strand, the complement: PEX1 is on the minus strand). VCF-style: chr7-92504903-C-A. GRCh37 (hg19) VCF-style: chr7-92134217-C-A.
Other names: c.1900+1345G>T (NM_001282677.2); c.1277-1G>T (NM_001282678.2).
Identifiers: ClinVar variation 2859457 (VCV002859457.3), dbSNP rs1792111046, ClinGen allele CA368184286.

ClinVar aggregate classification (germline): Likely pathogenic (1 of 4 stars; one submission).

Conditions:
Zellweger spectrum disorders (ZS). Also called: Zellweger syndrome; Zellweger Spectrum Disorder; Zellweger Spectrum; Zellweger Spectrum Disorder (ZSD). Identifiers: Orphanet 912, MedGen C0043459, MONDO:0019609.

Submission:

Labcorp Genetics (formerly Invitae), Labcorp
Classification: Likely pathogenic for Zellweger spectrum disorders. Last evaluated: 2023-04-26. Review status: criteria provided, single submitter. Criteria: Invitae Variant Classification Sherloc (09022015). Collection method: clinical testing. Allele origin: germline.
Comment: This sequence change affects an acceptor splice site in intron 11 of the PEX1 gene. It is expected to disrupt RNA splicing. Variants that disrupt the donor or acceptor splice site typically lead to a loss of protein function (PMID: 16199547), and loss-of-function variants in PEX1 are known to be pathogenic (PMID: 9398847, 16086329, 16141001, 21031596, 26387595, 31831025). In summary, the currently available evidence indicates that the variant is pathogenic, but additional data are needed to prove that conclusively. Therefore, this variant has been classified as Likely Pathogenic. Algorithms developed to predict the effect of sequence changes on RNA splicing suggest that this variant may disrupt the consensus splice site. This variant has not been reported in the literature in individuals affected with PEX1-related conditions. This variant is not present in population databases (gnomAD no frequency).

Literature cited by the submitters: PubMed 16199547; PubMed 9398847; PubMed 16086329; PubMed 16141001; PubMed 21031596; PubMed 26387595; PubMed 31831025.